The following is an entry in ClinVar:

NM_000458.4(HNF1B):c.715G>C (p.Gly239Arg)

Genes: HNF1B (HNF1 homeobox B; minus strand), LOC126862549 (BRD4-independent group 4 enhancer GRCh37_chr17:36093401-36094600; plus strand). Cytogenetic location: 17q12.
Variant type: single nucleotide variant.
Coding change: c.715G>C on transcript NM_000458.4 (MANE Select); coding-DNA position 715, G replaced by C.
Protein change: p.Gly239Arg; replaces glycine 239 with arginine.
Molecular consequence: missense variant.
Genome position (GRCh38, 1-based): chr17:37,733,651, C>G on the plus strand (G>C on the coding strand, the complement: HNF1B is on the minus strand). VCF-style: chr17-37733651-C-G. GRCh37 (hg19) VCF-style: chr17-36093644-C-G.
Other names: c.637G>C, p.Gly213Arg (NM_001165923.4, NM_001304286.2); short protein forms G239R, G213R.
Identifiers: ClinVar variation 635661 (VCV000635661.1), dbSNP rs2511809161, ClinGen allele CA398748519.

ClinVar aggregate classification (germline): Pathogenic (1 of 4 stars; one submission).

Conditions:
Renal cysts and diabetes syndrome (RCAD). Also called: Familial hypoplastic, glomerulocystic kidney; MATURITY-ONSET DIABETES OF THE YOUNG, TYPE 5. Identifiers: Orphanet 93111, MedGen C0431693, MONDO:0007669, OMIM 137920.

Submission:

Institute of Human Genetics, FAU Erlangen, Friedrich-Alexander-Universität Erlangen-Nürnberg
Classification: Pathogenic for Renal cysts and diabetes syndrome. Last evaluated: 2019-07-06. Review status: criteria provided, single submitter. Criteria: ACMG Guidelines, 2015. Collection method: literature only. Allele origin: germline. Affected: yes.
Comment: This variant and it's classification has been reported by Vasileiou et al. 2019; DOI:10.1101/576918. The variants has previously been reported in PMID:25700310; PMID:21617276; PMID:25536396 as "c.715G>C; c.715G>C" with clinical significance Pathogenic. It has been re-classified using InterVar and manual curation as Pathogenic based on PS2 PM1 PM2 PM5 PP3.

Literature cited by the submitters: PubMed 25700310; PubMed 21617276; PubMed 25536396; DOI 10.1101/576918.